The following is an entry in ClinVar:

NM_001191057.4(PDE1C):c.1615G>T (p.Ala539Ser)

Gene: PDE1C (phosphodiesterase 1C; minus strand). Cytogenetic location: 7p14.3.
Variant type: single nucleotide variant.
Coding change: c.1615G>T on transcript NM_001191057.4 (MANE Select); coding-DNA position 1615, G replaced by T.
Protein change: p.Ala539Ser; replaces alanine 539 with serine.
Molecular consequence: missense variant.
Genome position (GRCh38, 1-based): chr7:31,816,122, C>A on the plus strand (G>T on the coding strand, the complement: PDE1C is on the minus strand). VCF-style: chr7-31816122-C-A. GRCh37 (hg19) VCF-style: chr7-31855736-C-A.
Other names: c.1615G>T, p.Ala539Ser (NM_001191056.3, NM_001191059.4, NM_001322055.2 and 3 more transcripts); c.1795G>T, p.Ala599Ser (NM_001191058.4, NM_001322058.2); c.2020G>T, p.Ala674Ser (NM_001322059.2); short protein forms A539S, A599S, A674S.
Identifiers: ClinVar variation 2632026 (VCV002632026.2), dbSNP rs143433782, ClinGen allele CA4210864.

ClinVar aggregate classification (germline): Uncertain significance (1 of 4 stars; one submission).

Conditions:
PDE1C-related disorder. Also called: PDE1C-related condition.

Allele frequency attached by ClinVar (database versions not stated): ESP Exome Variant Server 0.00015.
gnomAD v4.1: 48 of 1,613,796 alleles (0.003%); highest among the groups gnomAD compares: African/African-American, 0.004%; no homozygotes.

Submission:

PreventionGenetics, part of Exact Sciences
Classification: Uncertain significance for PDE1C-related condition. Last evaluated: 2026-04-23. Review status: criteria provided, single submitter. Criteria: ACMG Guidelines, 2015. Collection method: clinical testing. Allele origin: germline.
Comment: The PDE1C c.1795G>T variant is predicted to result in the amino acid substitution p.Ala599Ser. To our knowledge, this variant has not been reported in the literature. This variant is reported in 0.0080% of alleles in individuals of African descent in gnomAD. At this time, the clinical significance of this variant is uncertain due to the absence of conclusive functional and genetic evidence.